The following is an entry in ClinVar:

NM_001005242.3(PKP2):c.77A>G (p.Asp26Gly)

Gene: PKP2 (plakophilin 2; minus strand). Cytogenetic location: 12p11.21.
Variant type: single nucleotide variant.
Coding change: c.77A>G on transcript NM_001005242.3 (MANE Select); coding-DNA position 77, A replaced by G.
Protein change: p.Asp26Gly; replaces aspartic acid 26 with glycine.
Molecular consequence: missense variant. On other transcripts: 5 prime UTR variant (4).
Genome position (GRCh38, 1-based): chr12:32,896,655, T>C on the plus strand (A>G on the coding strand, the complement: PKP2 is on the minus strand). VCF-style: chr12-32896655-T-C. GRCh37 (hg19) VCF-style: chr12-33049589-T-C.
Other names: c.77A>G, p.Asp26Gly (NM_001407155.1, NM_001407156.1, NM_001407157.1 and 2 more transcripts); c.-750A>G (NM_001407158.1, NM_001407162.1); c.-514A>G (NM_001407159.1, NM_001407160.1); short protein forms D26G.
Identifiers: ClinVar variation 4758220 (VCV004758220.1).
Genomic context (GRCh38, chr12:32,896,655, plus strand): 5'-CGGCCGCTGCTCCCCGCCAGCTTCAGCTTGGCCTCGGAGGGCAGCGCCAGGCTGGAGCTG[T>C]CCAGTTGTCCCAGGATCTGCTGGCCCAGGACGGTCCGGATGTAGCCGTACTCAGCTGGGG-3'
Protein context (NP_001005242.2, residues 16-36): VLGQQILGQL[Asp26Gly]SSSLALPSEA

ClinVar aggregate classification (germline): Uncertain significance (1 of 4 stars; one submission).

Conditions:
Cardiomyopathy (CMYO). Also called: Cardiomyopathies. Identifiers: Orphanet 167848, MedGen C0878544, MONDO:0004994, HP:0001638. Inheritance: Various modes of inheritance.

gnomAD v4.1: 2 of 1,565,140 alleles (0.00013%); highest among the groups gnomAD compares: Non-Finnish European, 0.00017%; no homozygotes.

Submission:

Color Diagnostics, LLC DBA Color Health
Classification: Uncertain significance for Cardiomyopathy. Last evaluated: 2025-10-21. Review status: criteria provided, single submitter. Criteria: ACMG Guidelines, 2015. Collection method: clinical testing. Allele origin: germline.
Comment: This missense variant replaces aspartic acid with glycine at codon 26 of the PKP2 protein. Computational prediction is inconclusive regarding the impact of this variant on protein structure and function. To our knowledge, functional studies have not been reported for this variant. This variant has not been reported in individuals affected with PKP2-related disorders in the literature. This variant has been identified in 2/1565140 chromosomes in the general population by the Genome Aggregation Database (gnomAD). The available evidence is insufficient to determine the role of this variant in disease conclusively. Therefore, this variant is classified as a Variant of Uncertain Significance.